The following is an entry in ClinVar:

ClinVar aggregate classification (germline): Uncertain significance. Review status: criteria provided, multiple submitters, no conflicts (2 of 4 stars). 2 submissions from 2 submitters: Uncertain significance (2). Last evaluated 2025-09-20.

Conditions:
Inborn genetic diseases. Identifiers: MedGen C0950123, MeSH D030342.

gnomAD v4.1: 8 of 1,613,296 alleles (0.0005%); highest among the groups gnomAD compares: Non-Finnish European, 0.00042%; no homozygotes.

Submissions (2):

Ambry Genetics
Classification: Uncertain significance for Inborn genetic diseases. Last evaluated: 2025-09-20. Review status: criteria provided, single submitter. Criteria: Ambry Variant Classification Scheme 2023. Collection method: clinical testing. Allele origin: germline.
Comment: The p.V1548A variant (also known as c.4643T>C), located in coding exon 1 of the SAMD9L gene, results from a T to C substitution at nucleotide position 4643. The valine at codon 1548 is replaced by alanine, an amino acid with similar properties. This amino acid position is conserved. In addition, this alteration is predicted to be tolerated by in silico analysis. Based on the available evidence, the clinical significance of this variant remains unclear.

Labcorp Genetics (formerly Invitae), Labcorp
Classification: Uncertain significance. Last evaluated: 2024-08-02. Review status: criteria provided, single submitter. Criteria: Invitae Variant Classification Sherloc (09022015). Collection method: clinical testing. Allele origin: germline.
Comment: This sequence change replaces valine, which is neutral and non-polar, with alanine, which is neutral and non-polar, at codon 1548 of the SAMD9L protein (p.Val1548Ala). This variant is not present in population databases (gnomAD no frequency). This variant has not been reported in the literature in individuals affected with SAMD9L-related conditions. Advanced modeling of protein sequence and biophysical properties (such as structural, functional, and spatial information, amino acid conservation, physicochemical variation, residue mobility, and thermodynamic stability) performed at Invitae indicates that this missense variant is not expected to disrupt SAMD9L protein function with a negative predictive value of 80%. In summary, the available evidence is currently insufficient to determine the role of this variant in disease. Therefore, it has been classified as a Variant of Uncertain Significance.

NM_152703.5(SAMD9L):c.4643T>C (p.Val1548Ala)

Gene: SAMD9L (sterile alpha motif domain containing 9 like; minus strand). Cytogenetic location: 7q21.2.
Variant type: single nucleotide variant.
Coding change: c.4643T>C on transcript NM_152703.5 (MANE Select); coding-DNA position 4643, T replaced by C.
Protein change: p.Val1548Ala; replaces valine 1548 with alanine.
Molecular consequence: missense variant.
Genome position (GRCh38, 1-based): chr7:93,131,329, A>G on the plus strand (T>C on the coding strand, the complement: SAMD9L is on the minus strand). VCF-style: chr7-93131329-A-G. GRCh37 (hg19) VCF-style: chr7-92760642-A-G.
Other names: c.4643T>C (NM_152703.2); c.4643T>C, p.Val1548Ala (NM_001303496.3, NM_001303497.3, NM_001303498.3 and 5 more transcripts); short protein forms V1548A.
Identifiers: ClinVar variation 3632961 (VCV003632961.3).